The following is an entry in ClinVar:

NM_005251.3(FOXC2):c.914_921dup (p.Ala308fs)

Gene: FOXC2 (forkhead box C2; plus strand). Cytogenetic location: 16q24.1.
Variant type: Duplication.
Coding change: c.914_921dup on transcript NM_005251.3 (MANE Select); coding-DNA positions 914 to 921, 8 bases duplicated (ACGCCGCC; older notation c.914_921dupACGCCGCC).
Protein change: p.Ala308fs; shifts the reading frame from alanine 308.
Molecular consequence: frameshift variant.
Genome position (GRCh38, 1-based): chr16:86,568,249-86,568,256, ACGCCGCC duplicated. VCF-style (leftmost placement, unchanged base first): chr16-86568248-T-TACGCCGCC. GRCh37 (hg19) VCF-style: chr16-86601854-T-TACGCCGCC.
Other names: short protein forms A308fs.
Identifiers: ClinVar variation 3641572 (VCV003641572.2).

ClinVar aggregate classification (germline): Pathogenic (1 of 4 stars; one submission).

Submission:

Labcorp Genetics (formerly Invitae), Labcorp
Classification: Pathogenic. Last evaluated: 2024-02-17. Review status: criteria provided, single submitter. Criteria: Invitae Variant Classification Sherloc (09022015). Collection method: clinical testing. Allele origin: germline.
Comment: This sequence change creates a premature translational stop signal (p.Ala308Thrfs*32) in the FOXC2 gene. While this is not anticipated to result in nonsense mediated decay, it is expected to disrupt the last 194 amino acid(s) of the FOXC2 protein. This variant is not present in population databases (gnomAD no frequency). This variant has not been reported in the literature in individuals affected with FOXC2-related conditions. This variant disrupts a region of the FOXC2 protein in which other variant(s) (p.Tyr313Argfs*152) have been determined to be pathogenic (PMID: 11371511, 24167460, 35716761). This suggests that this is a clinically significant region of the protein, and that variants that disrupt it are likely to be disease-causing. For these reasons, this variant has been classified as Pathogenic.

Literature cited by the submitters: PubMed 11371511; PubMed 24167460; PubMed 35716761.